The following is an entry in ClinVar:

ClinVar aggregate classification (germline): Uncertain significance. Review status: criteria provided, single submitter (1 of 4 stars). 2 submissions from 2 submitters: Uncertain significance (1). 1 of the submissions does not count toward it. Last evaluated 2024-02-14.

Conditions:
Peeling skin syndrome 5 (PSS5). Identifiers: MedGen C4310710, MONDO:0014923, OMIM 617115.

Submissions (2):

Labcorp Genetics (formerly Invitae), Labcorp
Classification: Uncertain significance. Last evaluated: 2024-02-14. Review status: criteria provided, single submitter. Criteria: Invitae Variant Classification Sherloc (09022015). Collection method: clinical testing. Allele origin: germline.
Comment: This sequence change results in a frameshift in the SERPINB8 gene (p.Lys316Serfs*90). While this is not anticipated to result in nonsense mediated decay, it is expected to disrupt the last 59 amino acid(s) of the SERPINB8 protein and extend the protein by 30 additional amino acid residues. This variant is present in population databases (rs762923677, gnomAD 0.1%), and has an allele count higher than expected for a pathogenic variant. This frameshift has been observed in individual(s) with SERPINB8-related conditions (PMID: 27476651). ClinVar contains an entry for this variant (Variation ID: 254198). In summary, the available evidence is currently insufficient to determine the role of this variant in disease. Therefore, it has been classified as a Variant of Uncertain Significance.

OMIM
Classification: Pathogenic for PEELING SKIN SYNDROME 5. Last evaluated: 2016-09-13. Review status: no assertion criteria provided. Collection method: literature only. Allele origin: germline. Not counted in ClinVar's aggregate classification.

Literature cited by the submitters: PubMed 27476651 (cited by Labcorp Genetics (formerly Invitae), Labcorp and OMIM).

NM_002640.4(SERPINB8):c.947del (p.Lys316fs)

Gene: SERPINB8 (serpin family B member 8; plus strand). Cytogenetic location: 18q22.1.
Variant type: Deletion.
Coding change: c.947del on transcript NM_002640.4 (MANE Select); coding-DNA position 947, one base deleted (A; older notation c.947delA).
Protein change: p.Lys316fs; shifts the reading frame from lysine 316.
Molecular consequence: frameshift variant. On other transcripts: 3 prime UTR variant (2), non-coding transcript variant (1), intron variant (1).
Genome position (GRCh38, 1-based): chr18:63,987,100, A deleted; the last of 2 consecutive A bases (chr18:63,987,099-63,987,100); deleting either gives the same sequence. VCF-style (leftmost placement, unchanged base first): chr18-63987098-CA-C. GRCh37 (hg19) VCF-style: chr18-61654332-CA-C.
Other names: c.947delA (NM_198833.1); c.401del, p.Lys134fs (NM_001276490.2); c.*114del (NM_001348368.2, NM_001348369.2); c.407del, p.Lys136fs (NM_001348370.2); c.947del, p.Lys316fs (NM_001366198.1, NM_198833.2); c.720+1855del (NM_001348367.2); short protein forms K136fs, K316fs, K134fs.
Identifiers: ClinVar variation 254198 (VCV000254198.3), dbSNP rs762923677, ClinGen allele CA8990909.